The following is an entry in ClinVar:

ClinVar aggregate classification (germline): Uncertain significance (1 of 4 stars; one submission).

Conditions:
Inborn genetic diseases. Identifiers: MedGen C0950123, MeSH D030342.

Submission:

Ambry Genetics
Classification: Uncertain significance for Inborn genetic diseases. Last evaluated: 2026-03-16. Review status: criteria provided, single submitter. Criteria: Ambry Variant Classification Scheme 2023. Collection method: clinical testing. Allele origin: germline.
Comment: The c.27+4G>T intronic variant results from a G to T substitution 4 nucleotides after coding exon 1 in the DDX41 gene. This nucleotide position is not well conserved in available vertebrate species. In silico splice site analysis predicts that this alteration will not have any significant effect on splicing. Based on the available evidence, the clinical significance of this variant remains unclear.

NM_016222.4(DDX41):c.27+4G>T

Gene: DDX41 (DEAD-box helicase 41; minus strand). Cytogenetic location: 5q35.3.
Variant type: single nucleotide variant.
Coding change: c.27+4G>T on transcript NM_016222.4 (MANE Select); 4 bases into the intron after coding-DNA position 27, G replaced by T.
Molecular consequence: intron variant.
Genome position (GRCh38, 1-based): chr5:177,516,915, C>A on the plus strand (G>T on the coding strand, the complement: DDX41 is on the minus strand). VCF-style: chr5-177516915-C-A. GRCh37 (hg19) VCF-style: chr5-176943916-C-A.
Other names: c.-421+4G>T (NM_001321830.2); c.-629+4G>T (NM_001321732.2).
Identifiers: ClinVar variation 4869610 (VCV004869610.1).